The following is an entry in ClinVar:

ClinVar aggregate classification (germline): Uncertain significance (1 of 4 stars; one submission).

Submission:

Women's Health and Genetics/Laboratory Corporation of America, LabCorp
Classification: Uncertain significance. Last evaluated: 2026-02-02. Review status: criteria provided, single submitter. Criteria: LabCorp Variant Classification Summary - May 2015. Collection method: clinical testing. Allele origin: germline.
Comment: Variant summary: CDH1 c.1555C>G (p.Gln519Glu) results in a conservative amino acid change in the encoded protein sequence. Algorithms developed to predict the effect of missense changes on protein structure and function are either unavailable or do not agree on the potential impact of this missense change. The variant was absent in 251394 control chromosomes. The available data on variant occurrences in the general population are insufficient to allow any conclusion about variant significance. To our knowledge, no occurrence of c.1555C>G in individuals affected with CDH1-related conditions and no experimental evidence demonstrating its impact on protein function have been reported. No submitters have cited clinical-significance assessments for this variant to ClinVar. Based on the evidence outlined above, the variant was classified as uncertain significance.

NM_004360.5(CDH1):c.1555C>G (p.Gln519Glu)

Gene: CDH1 (cadherin 1; plus strand). Cytogenetic location: 16q22.1.
Variant type: single nucleotide variant.
Coding change: c.1555C>G on transcript NM_004360.5 (MANE Select); coding-DNA position 1555, C replaced by G.
Protein change: p.Gln519Glu; replaces glutamine 519 with glutamic acid.
Molecular consequence: missense variant. On other transcripts: 5 prime UTR variant (1).
Genome position (GRCh38, 1-based): chr16:68,815,749, C>G. VCF-style: chr16-68815749-C-G. GRCh37 (hg19) VCF-style: chr16-68849652-C-G.
Other names: c.1372C>G, p.Gln458Glu (NM_001317184.2); c.7C>G, p.Gln3Glu (NM_001317185.2); c.-265C>G (NM_001317186.2); short protein forms Q3E, Q458E, Q519E.
Identifiers: ClinVar variation 4848125 (VCV004848125.1).